The following is an entry in ClinVar:

NM_001005373.4(LRSAM1):c.1994del (p.Pro665fs)

Gene: LRSAM1 (leucine rich repeat and sterile alpha motif containing 1; plus strand). Cytogenetic location: 9q34.11.
Variant type: Deletion.
Coding change: c.1994del on transcript NM_001005373.4 (MANE Select); coding-DNA position 1994, one base deleted (C; older notation c.1994delC).
Protein change: p.Pro665fs; shifts the reading frame from proline 665.
Molecular consequence: frameshift variant. On other transcripts: non-coding transcript variant (2).
Genome position (GRCh38, 1-based): chr9:127,501,091, C deleted; the last of 5 consecutive C bases (chr9:127,501,087-127,501,091); deleting any one gives the same sequence. VCF-style (leftmost placement, unchanged base first): chr9-127501086-TC-T. GRCh37 (hg19) VCF-style: chr9-130263365-TC-T.
Other names: c.1994del, p.Pro665fs (NM_001005374.4, NM_001384142.1, NM_138361.5); c.1913del, p.Pro638fs (NM_001190723.3); c.1895del, p.Pro632fs (NM_001384143.1); c.1205del, p.Pro402fs (NM_001384144.1); short protein forms P402fs, P632fs, P638fs, P665fs.
Identifiers: ClinVar variation 4687903 (VCV004687903.1).
Genomic context (GRCh38, chr9:127,501,086, plus strand): 5'-GGGTGAGGTCGTCACCCCTACGGCCCCCCAGGAGCCTCCTGAGTCTGTGAGGCCATCCGC[TC>T]CCCCTGCAGAGCTGGAGGTGCAGGCCTCAGAGTGTGTCGTGTGCCTGGAACGGGAGGTAA-3'

ClinVar aggregate classification (germline): Likely pathogenic (1 of 4 stars; one submission).

Conditions:
Charcot-Marie-Tooth disease axonal type 2P. Also called: CHARCOT-MARIE-TOOTH NEUROPATHY, TYPE 2P; Charcot-Marie-Tooth Neuropathy Type 2G; CHARCOT-MARIE-TOOTH DISEASE, AXONAL, TYPE 2G; CMT 2G. Identifiers: Orphanet 300319, Orphanet 99941, MedGen C3280797, MONDO:0013753, OMIM 614436.

Submission:

Human Genetics Bochum, Ruhr University Bochum
Classification: Likely pathogenic for Charcot-Marie-Tooth disease axonal type 2P. Last evaluated: 2025-03-05. Review status: criteria provided, single submitter. Criteria: ACMG Guidelines, 2015. Collection method: clinical testing. Allele origin: germline. Affected: yes.
Comment: ACMG criteria used to clasify this variant: PVS1, PM2_SUP